The following is an entry in ClinVar:

NM_001098.3(ACO2):c.52C>T (p.Arg18Trp)

Gene: ACO2 (aconitase 2; plus strand). Cytogenetic location: 22q13.2.
Variant type: single nucleotide variant.
Coding change: c.52C>T on transcript NM_001098.3 (MANE Select); coding-DNA position 52, C replaced by T.
Protein change: p.Arg18Trp; replaces arginine 18 with tryptophan.
Molecular consequence: missense variant.
Genome position (GRCh38, 1-based): chr22:41,499,741, C>T. VCF-style: chr22-41499741-C-T. GRCh37 (hg19) VCF-style: chr22-41895745-C-T.
Other names: p.Arg18Trp; short protein forms R18W.
Identifiers: ClinVar variation 2990866 (VCV002990866.4), dbSNP rs201569120, ClinGen allele CA10257270.
Genomic context (GRCh38, chr22:41,499,741, plus strand): 5'-TCCTAAGTGCTCCATTGACAGTGGCTGTCATGTTTCTTCTTGCAGAAAGCTCTGGGTGTG[C>T]GGCAGTACCATGTGGCCTCAGTCCTGTGCCAACGGGCCAAGGTGGCGATGAGCCACTTTG-3'
Protein context (NP_001089.1, residues 8-28): VTRLQKALGV[Arg18Trp]QYHVASVLCQ

ClinVar aggregate classification (germline): Uncertain significance. Review status: criteria provided, multiple submitters, no conflicts (2 of 4 stars). 2 submissions from 2 submitters: Uncertain significance (2). Last evaluated 2024-07-03.

Allele frequency attached by ClinVar (database versions not stated): TOPMed 0.00003; ESP Exome Variant Server 0.00008; gnomAD exomes 0.00009; ExAC 0.00016; gnomAD 0.00018.
gnomAD v4.1: 158 of 1,612,586 alleles (0.0098%); highest among the groups gnomAD compares: East Asian, 0.016%; no homozygotes.

Submissions (2):

Mayo Clinic Laboratories, Mayo Clinic
Classification: Uncertain significance. Last evaluated: 2024-07-03. Review status: criteria provided, single submitter. Criteria: ACMG Guidelines, 2015. Collection method: clinical testing. Allele origin: germline. Observed: 1 variant allele.

Labcorp Genetics (formerly Invitae), Labcorp
Classification: Uncertain significance. Last evaluated: 2023-12-09. Review status: criteria provided, single submitter. Criteria: Invitae Variant Classification Sherloc (09022015). Collection method: clinical testing. Allele origin: germline.
Comment: This sequence change replaces arginine, which is basic and polar, with tryptophan, which is neutral and slightly polar, at codon 18 of the ACO2 protein (p.Arg18Trp). This variant is present in population databases (rs201569120, gnomAD 0.2%). This variant has not been reported in the literature in individuals affected with ACO2-related conditions. Advanced modeling of protein sequence and biophysical properties (such as structural, functional, and spatial information, amino acid conservation, physicochemical variation, residue mobility, and thermodynamic stability) performed at Invitae indicates that this missense variant is expected to disrupt ACO2 protein function with a positive predictive value of 95%. In summary, the available evidence is currently insufficient to determine the role of this variant in disease. Therefore, it has been classified as a Variant of Uncertain Significance.